The following is an entry in ClinVar:

ClinVar aggregate classification (germline): Uncertain significance. Review status: criteria provided, multiple submitters, no conflicts (2 of 4 stars). 2 submissions from 2 submitters: Uncertain significance (2). Last evaluated 2026-01-05.

Conditions:
Hereditary pancreatitis (PCTT). Also called: Hereditary chronic pancreatitis; PRSS1-Related Hereditary Pancreatitis. Identifiers: Orphanet 676, MedGen C0238339, MONDO:0008185, OMIM 167800.

Submissions (2):

Labcorp Genetics (formerly Invitae), Labcorp
Classification: Uncertain significance for Hereditary pancreatitis. Last evaluated: 2026-01-05. Review status: criteria provided, single submitter. Criteria: Invitae Variant Classification Sherloc (09022015). Collection method: clinical testing. Allele origin: germline.
Comment: This sequence change replaces cysteine, which is neutral and slightly polar, with tyrosine, which is neutral and polar, at codon 206 of the PRSS1 protein (p.Cys206Tyr). This variant is not present in population databases (gnomAD no frequency). This variant has not been reported in the literature in individuals affected with PRSS1-related conditions. ClinVar contains an entry for this variant (Variation ID: 3426346). An algorithm developed to predict the effect of missense changes on protein structure and function outputs the following: PolyPhen-2: "Possibly Damaging". The tyrosine amino acid residue is found in multiple mammalian species, which suggests that this missense change does not adversely affect protein function. In summary, the available evidence is currently insufficient to determine the role of this variant in disease. Therefore, it has been classified as a Variant of Uncertain Significance.

Ambry Genetics
Classification: Uncertain significance for Hereditary pancreatitis. Last evaluated: 2024-11-22. Review status: criteria provided, single submitter. Criteria: Ambry Variant Classification Scheme 2023. Collection method: clinical testing. Allele origin: germline.
Comment: The p.C206Y variant (also known as c.617G>A), located in coding exon 5 of the PRSS1 gene, results from a G to A substitution at nucleotide position 617. The cysteine at codon 206 is replaced by tyrosine, an amino acid with highly dissimilar properties. This amino acid position is conserved. In addition, the in silico prediction for this alteration is inconclusive. Based on the available evidence, the clinical significance of this variant remains unclear.

NM_002769.5(PRSS1):c.617G>A (p.Cys206Tyr)

Genes: TRB (T cell receptor beta locus; plus strand), PRSS1 (serine protease 1; plus strand). Cytogenetic location: 7q34.
Variant type: single nucleotide variant.
Coding change: c.617G>A on transcript NM_002769.5 (MANE Select); coding-DNA position 617, G replaced by A.
Protein change: p.Cys206Tyr; replaces cysteine 206 with tyrosine.
Molecular consequence: missense variant. On other transcripts: non-coding transcript variant (5).
Genome position (GRCh38, 1-based): chr7:142,752,893, G>A. VCF-style: chr7-142752893-G-A. GRCh37 (hg19) VCF-style: chr7-142460744-G-A.
Other names: short protein forms C206Y.
Identifiers: ClinVar variation 3426346 (VCV003426346.2).